The following is an entry in ClinVar:

NM_000083.3(CLCN1):c.419C>A (p.Ala140Asp)

Gene: CLCN1 (chloride voltage-gated channel 1; plus strand). Cytogenetic location: 7q34.
Variant type: single nucleotide variant.
Coding change: c.419C>A on transcript NM_000083.3 (MANE Select); coding-DNA position 419, C replaced by A.
Protein change: p.Ala140Asp; replaces alanine 140 with aspartic acid.
Molecular consequence: missense variant. On other transcripts: non-coding transcript variant (1).
Genome position (GRCh38, 1-based): chr7:143,320,781, C>A. VCF-style: chr7-143320781-C-A. GRCh37 (hg19) VCF-style: chr7-143017874-C-A.
Other names: short protein forms A140D.
Identifiers: ClinVar variation 1057439 (VCV001057439.11), dbSNP rs1435631505, ClinGen allele CA369682866.

ClinVar aggregate classification (germline): Uncertain significance. Review status: criteria provided, multiple submitters, no conflicts (2 of 4 stars). 3 submissions from 3 submitters: Uncertain significance (3). Last evaluated 2023-04-18.

Conditions:
Congenital myotonia, autosomal dominant form (THD). Also called: THOMSEN DISEASE; Myotonia congenita autosomal dominant. Identifiers: Orphanet 614, MedGen C2936781, MONDO:0008055, OMIM 160800.
Congenital myotonia, autosomal recessive form. Also called: Becker Generalized Myotonia; myotonia congenita, autosomal recessive; BECKER DISEASE. Identifiers: Orphanet 614, MedGen C0751360, MONDO:0009715, OMIM 255700.
Inborn genetic diseases. Identifiers: MedGen C0950123, MeSH D030342.

Allele frequency attached by ClinVar (database versions not stated): gnomAD exomes below 0.00001.
gnomAD v4.1: 1 of 1,613,946 alleles (0.000062%); highest among the groups gnomAD compares: Non-Finnish European, 0.000085%; no homozygotes.

Submissions (3):

Ambry Genetics
Classification: Uncertain significance for Inborn genetic diseases. Last evaluated: 2023-04-18. Review status: criteria provided, single submitter. Criteria: Ambry Variant Classification Scheme 2023. Collection method: clinical testing. Allele origin: germline.

GeneDx
Classification: Uncertain significance. Last evaluated: 2022-03-18. Review status: criteria provided, single submitter. Criteria: GeneDx Variant Classification Process June 2021. Collection method: clinical testing. Allele origin: germline. Affected: yes.
Comment: Not observed at significant frequency in large population cohorts (gnomAD); In silico analysis supports that this missense variant has a deleterious effect on protein structure/function; Has not been previously published as pathogenic or benign to our knowledge

Labcorp Genetics (formerly Invitae), Labcorp
Classification: Uncertain significance for Congenital myotonia, autosomal recessive form; Congenital myotonia, autosomal dominant form. Last evaluated: 2020-08-14. Review status: criteria provided, single submitter. Criteria: Invitae Variant Classification Sherloc (09022015). Collection method: clinical testing. Allele origin: germline.
Comment: In summary, the available evidence is currently insufficient to determine the role of this variant in disease. Therefore, it has been classified as a Variant of Uncertain Significance. Advanced modeling of protein sequence and biophysical properties (such as structural, functional, and spatial information, amino acid conservation, physicochemical variation, residue mobility, and thermodynamic stability) performed at Invitae indicates that this missense variant is expected to disrupt CLCN1 protein function. This sequence change replaces alanine with aspartic acid at codon 140 of the CLCN1 protein (p.Ala140Asp). The alanine residue is moderately conserved and there is a moderate physicochemical difference between alanine and aspartic acid. This variant is not present in population databases (ExAC no frequency). This variant has not been reported in the literature in individuals with CLCN1-related conditions.